The following is an entry in ClinVar:

NM_001308120.2(TOGARAM1):c.1124T>C (p.Leu375Pro)

Gene: TOGARAM1 (TOG array regulator of axonemal microtubules 1; plus strand). Cytogenetic location: 14q21.2.
Variant type: single nucleotide variant.
Coding change: c.1124T>C on transcript NM_001308120.2 (MANE Select); coding-DNA position 1124, T replaced by C.
Protein change: p.Leu375Pro; replaces leucine 375 with proline.
Molecular consequence: missense variant. On other transcripts: non-coding transcript variant (1).
Genome position (GRCh38, 1-based): chr14:44,963,545, T>C. VCF-style: chr14-44963545-T-C. GRCh37 (hg19) VCF-style: chr14-45432748-T-C.
Other names: c.1124T>C, p.Leu375Pro (NM_015091.4); c.1124T>C (NM_015091.3); short protein forms L375P.
Identifiers: ClinVar variation 979053 (VCV000979053.5), dbSNP rs150433582, ClinGen allele CA7167015.
Genomic context (GRCh38, chr14:44,963,545, plus strand): 5'-TGCATTCACGATTATTGGATCAGGAAGACTATAAGAACCGGACCCAGGCCGTCGAAGAAC[T>C]AAAGCAGGTGCTGGGAAAATTTAACCCTAGTTCTACTCCTCATTCTAGTCTTGTTGGCTT-3'
Protein context (NP_001295049.1, residues 365-385): YKNRTQAVEE[Leu375Pro]KQVLGKFNPS

ClinVar aggregate classification (germline): Conflicting classifications of pathogenicity. Review status: criteria provided, conflicting classifications (1 of 4 stars). 4 submissions from 4 submitters: Pathogenic (1); Uncertain significance (1). 2 of the submissions do not count toward it. Last evaluated 2021-10-12.

Conditions:
Joubert syndrome 37. Identifiers: MedGen C5543064, MONDO:0030933, OMIM 619185.
Joubert syndrome. Also called: Familial aplasia of the vermis; CEREBELLOPARENCHYMAL DISORDER IV; JOUBERT-BOLTSHAUSER SYNDROME. Identifiers: Orphanet 475, MedGen C5979921, MONDO:0018772.

Allele frequency attached by ClinVar (database versions not stated): ExAC 0.00002; gnomAD exomes 0.00002; TOPMed 0.00002; gnomAD 0.00003 and 0.00004; ESP Exome Variant Server 0.00015.
gnomAD v4.1: 26 of 1,613,950 alleles (0.0016%); highest among the groups gnomAD compares: African/African-American, 0.0027%; no homozygotes.

Submissions (4):

GeneDx
Classification: Uncertain significance. Last evaluated: 2021-10-12. Review status: criteria provided, single submitter. Criteria: GeneDx Variant Classification Process June 2021. Collection method: clinical testing. Allele origin: germline. Affected: yes.
Comment: Observed with another FAM179B (TOGARAM1) variant on the opposite allele (in trans) in a fetus with vermis hypoplasia, polydactyly, and dysmorphic features (Latour et al., 2019); Functional studies demonstrated that this variant was associated with impaired interaction with ARMC9 (Latour et al., 2019); In silico analysis, which includes protein predictors and evolutionary conservation, supports a deleterious effect; This variant is associated with the following publications: (PMID: 32453716)

UW Hindbrain Malformation Research Program, University of Washington
Classification: Pathogenic for Joubert syndrome. Last evaluated: 2020-05-26. Review status: criteria provided, single submitter. Criteria: Latour BL et al. (J Clin Invest 2020). Collection method: research. Allele origin: paternal. Affected: yes.

OMIM
Classification: Pathogenic for JOUBERT SYNDROME 37. Last evaluated: 2021-02-22. Review status: no assertion criteria provided. Collection method: literature only. Allele origin: germline. Not counted in ClinVar's aggregate classification.

University of Washington Center for Mendelian Genomics, University of Washington
Classification: Likely pathogenic for Joubert syndrome. Review status: no assertion criteria provided. Collection method: research. Allele origin: paternal. Affected: yes. Not counted in ClinVar's aggregate classification.

Literature cited by the submitters: PubMed 32453716 (cited by OMIM and University of Washington Center for Mendelian Genomics, University of Washington).